The following is an entry in ClinVar:

NM_003327.4(TNFRSF4):c.181A>G (p.Asn61Asp)

Gene: TNFRSF4 (TNF receptor superfamily member 4; minus strand). Cytogenetic location: 1p36.33.
Variant type: single nucleotide variant.
Coding change: c.181A>G on transcript NM_003327.4 (MANE Select); coding-DNA position 181, A replaced by G.
Protein change: p.Asn61Asp; replaces asparagine 61 with aspartic acid.
Molecular consequence: missense variant.
Genome position (GRCh38, 1-based): chr1:1,213,750, T>C on the plus strand (A>G on the coding strand, the complement: TNFRSF4 is on the minus strand). VCF-style: chr1-1213750-T-C. GRCh37 (hg19) VCF-style: chr1-1149130-T-C.
Other names: c.181A>G, p.Asn61Asp (NM_001410709.1); short protein forms N61D.
Identifiers: ClinVar variation 2770331 (VCV002770331.3), dbSNP rs1649323945, ClinGen allele CA337802200.

ClinVar aggregate classification (germline): Uncertain significance (1 of 4 stars; one submission).

Conditions:
Combined immunodeficiency due to OX40 deficiency. Also called: Immunodeficiency 16; OX40 DEFICIENCY. Identifiers: Orphanet 431149, MedGen C3810053, MONDO:0014268, OMIM 615593.

Allele frequency attached by ClinVar (database versions not stated): TOPMed below 0.00001; gnomAD 0.00001.

Submission:

Labcorp Genetics (formerly Invitae), Labcorp
Classification: Uncertain significance for Combined immunodeficiency due to OX40 deficiency. Last evaluated: 2023-10-20. Review status: criteria provided, single submitter. Criteria: Invitae Variant Classification Sherloc (09022015). Collection method: clinical testing. Allele origin: germline.
Comment: This sequence change replaces asparagine, which is neutral and polar, with aspartic acid, which is acidic and polar, at codon 61 of the TNFRSF4 protein (p.Asn61Asp). This variant is not present in population databases (gnomAD no frequency). This variant has not been reported in the literature in individuals affected with TNFRSF4-related conditions. Advanced modeling of protein sequence and biophysical properties (such as structural, functional, and spatial information, amino acid conservation, physicochemical variation, residue mobility, and thermodynamic stability) performed at Invitae indicates that this missense variant is not expected to disrupt TNFRSF4 protein function. In summary, the available evidence is currently insufficient to determine the role of this variant in disease. Therefore, it has been classified as a Variant of Uncertain Significance.